The following is an entry in ClinVar:

NM_001200.4(BMP2):c.386C>T (p.Thr129Ile)

Gene: BMP2 (bone morphogenetic protein 2; plus strand). Cytogenetic location: 20p12.3.
Variant type: single nucleotide variant.
Coding change: c.386C>T on transcript NM_001200.4 (MANE Select); coding-DNA position 386, C replaced by T.
Protein change: p.Thr129Ile; replaces threonine 129 with isoleucine.
Molecular consequence: missense variant.
Genome position (GRCh38, 1-based): chr20:6,778,284, C>T. VCF-style: chr20-6778284-C-T. GRCh37 (hg19) VCF-style: chr20-6758931-C-T.
Other names: short protein forms T129I.
Identifiers: ClinVar variation 2792147 (VCV002792147.3), dbSNP rs1600173106, ClinGen allele CA408258220.

ClinVar aggregate classification (germline): Uncertain significance (1 of 4 stars; one submission).

Submission:

Labcorp Genetics (formerly Invitae), Labcorp
Classification: Uncertain significance. Last evaluated: 2023-11-03. Review status: criteria provided, single submitter. Criteria: Invitae Variant Classification Sherloc (09022015). Collection method: clinical testing. Allele origin: germline.
Comment: This sequence change replaces threonine, which is neutral and polar, with isoleucine, which is neutral and non-polar, at codon 129 of the BMP2 protein (p.Thr129Ile). This variant is not present in population databases (gnomAD no frequency). This variant has not been reported in the literature in individuals affected with BMP2-related conditions. An algorithm developed to predict the effect of missense changes on protein structure and function (PolyPhen-2) suggests that this variant is likely to be tolerated. In summary, the available evidence is currently insufficient to determine the role of this variant in disease. Therefore, it has been classified as a Variant of Uncertain Significance.